The following is an entry in ClinVar:

NM_001365951.3(KIF1B):c.4526G>T (p.Arg1509Leu)

Gene: KIF1B (kinesin family member 1B; plus strand). Cytogenetic location: 1p36.22.
Variant type: single nucleotide variant.
Coding change: c.4526G>T on transcript NM_001365951.3 (MANE Select); coding-DNA position 4526, G replaced by T.
Protein change: p.Arg1509Leu; replaces arginine 1509 with leucine.
Molecular consequence: missense variant.
Genome position (GRCh38, 1-based): chr1:10,365,422, G>T. VCF-style: chr1-10365422-G-T. GRCh37 (hg19) VCF-style: chr1-10425480-G-T.
Other names: c.4526G>T, p.Arg1509Leu (NM_001365952.1); c.4388G>T, p.Arg1463Leu (NM_015074.3); short protein forms R1509L, R1463L.
Identifiers: ClinVar variation 4043062 (VCV004043062.1).

ClinVar aggregate classification (germline): Uncertain significance (1 of 4 stars; one submission).

gnomAD v4.1: 2 of 1,614,076 alleles (0.00012%); highest among the groups gnomAD compares: Non-Finnish European, 0.00017%; no homozygotes.

Submission:

Ambry Genetics
Classification: Uncertain significance. Last evaluated: 2025-05-31. Review status: criteria provided, single submitter. Criteria: Ambry Variant Classification Scheme 2023. Collection method: clinical testing. Allele origin: germline.
Comment: The p.R1463L variant (also known as c.4388G>T), located in coding exon 40 of the KIF1B gene, results from a G to T substitution at nucleotide position 4388. The arginine at codon 1463 is replaced by leucine, an amino acid with dissimilar properties. This amino acid position is conserved. In addition, this alteration is predicted to be deleterious by in silico analysis. Based on the available evidence, the clinical significance of this variant remains unclear.